The following is an entry in ClinVar:

ClinVar aggregate classification (germline): Uncertain significance (1 of 4 stars; one submission).

Conditions:
Hereditary cancer-predisposing syndrome. Also called: Neoplastic Syndromes, Hereditary; Tumor predisposition; Hereditary Cancer Syndrome; Hereditary neoplastic syndrome. Identifiers: Orphanet 140162, MedGen C0027672, MeSH D009386, MONDO:0015356.

Submission:

Ambry Genetics
Classification: Uncertain significance for Hereditary cancer-predisposing syndrome. Last evaluated: 2022-05-12. Review status: criteria provided, single submitter. Criteria: Ambry Variant Classification Scheme 2023. Collection method: clinical testing. Allele origin: germline.
Comment: The p.R739S variant (also known as c.2215C>A), located in coding exon 8 of the MET gene, results from a C to A substitution at nucleotide position 2215. The arginine at codon 739 is replaced by serine, an amino acid with dissimilar properties. This amino acid position is conserved. In addition, this alteration is predicted to be tolerated by in silico analysis. Since supporting evidence is limited at this time, the clinical significance of this alteration remains unclear.

NM_000245.4(MET):c.2215C>A (p.Arg739Ser)

Gene: MET (MET proto-oncogene, receptor tyrosine kinase; plus strand). Cytogenetic location: 7q31.2.
Variant type: single nucleotide variant.
Coding change: c.2215C>A on transcript NM_000245.4 (MANE Select); coding-DNA position 2215, C replaced by A.
Protein change: p.Arg739Ser; replaces arginine 739 with serine.
Molecular consequence: missense variant.
Genome position (GRCh38, 1-based): chr7:116,758,571, C>A. VCF-style: chr7-116758571-C-A. GRCh37 (hg19) VCF-style: chr7-116398625-C-A.
Other names: c.2215C>A, p.Arg739Ser (NM_001127500.3, NM_001324401.3); c.925C>A, p.Arg309Ser (NM_001324402.2); short protein forms R309S, R739S.
Identifiers: ClinVar variation 1787823 (VCV001787823.2), dbSNP rs45587940, ClinGen allele CA368980752.
Genomic context (GRCh38, chr7:116,758,571, plus strand): 5'-GAGTTTGCTGTTAAATTGAAAATTGACTTAGCCAACCGAGAGACAAGCATCTTCAGTTAC[C>A]GTGAAGATCCCATTGTCTATGAAATTCATCCAACCAAATCTTTTATTAGGTAAGTAGAAG-3'
Protein context (NP_000236.2, residues 729-749): ANRETSIFSY[Arg739Ser]EDPIVYEIHP